The following is an entry in ClinVar:

ClinVar aggregate classification (germline): Uncertain significance. Review status: criteria provided, multiple submitters, no conflicts (2 of 4 stars). 2 submissions from 2 submitters: Uncertain significance (2). Last evaluated 2024-05-20.

Conditions:
Nephronophthisis 18 (NPHP18). Identifiers: Orphanet 655, MedGen C3890591, MONDO:0014374, OMIM 615862.
Inborn genetic diseases. Identifiers: MedGen C0950123, MeSH D030342.

Allele frequency attached by ClinVar (database versions not stated): gnomAD 0.00001 and 0.00003; TOPMed 0.00002; gnomAD exomes 0.00004 and 0.00010; ESP Exome Variant Server 0.00008; ExAC 0.00009.
gnomAD v4.1: 62 of 1,613,714 alleles (0.0038%); highest among the groups gnomAD compares: South Asian, 0.055%; no homozygotes.

Submissions (2):

Ambry Genetics
Classification: Uncertain significance for Inborn genetic diseases. Last evaluated: 2024-05-20. Review status: criteria provided, single submitter. Criteria: Ambry Variant Classification Scheme 2023. Collection method: clinical testing. Allele origin: germline.

Labcorp Genetics (formerly Invitae), Labcorp
Classification: Uncertain significance for Nephronophthisis 18. Last evaluated: 2023-07-21. Review status: criteria provided, single submitter. Criteria: Invitae Variant Classification Sherloc (09022015). Collection method: clinical testing. Allele origin: germline.
Comment: In summary, the available evidence is currently insufficient to determine the role of this variant in disease. Therefore, it has been classified as a Variant of Uncertain Significance. Advanced modeling of protein sequence and biophysical properties (such as structural, functional, and spatial information, amino acid conservation, physicochemical variation, residue mobility, and thermodynamic stability) performed at Invitae indicates that this missense variant is not expected to disrupt CEP83 protein function. ClinVar contains an entry for this variant (Variation ID: 1038100). This variant has not been reported in the literature in individuals affected with CEP83-related conditions. This variant is present in population databases (rs202152669, gnomAD 0.07%). This sequence change replaces histidine, which is basic and polar, with arginine, which is basic and polar, at codon 415 of the CEP83 protein (p.His415Arg).

NM_016122.3(CEP83):c.1244A>G (p.His415Arg)

Gene: CEP83 (centrosomal protein 83; minus strand). Cytogenetic location: 12q22.
Variant type: single nucleotide variant.
Coding change: c.1244A>G on transcript NM_016122.3 (MANE Select); coding-DNA position 1244, A replaced by G.
Protein change: p.His415Arg; replaces histidine 415 with arginine.
Molecular consequence: missense variant. On other transcripts: non-coding transcript variant (1).
Genome position (GRCh38, 1-based): chr12:94,367,893, T>C on the plus strand (A>G on the coding strand, the complement: CEP83 is on the minus strand). VCF-style: chr12-94367893-T-C. GRCh37 (hg19) VCF-style: chr12-94761669-T-C.
Other names: c.1244A>G, p.His415Arg (NM_001042399.2, NM_001346457.2, NM_001368037.1 and 1 more transcripts); c.932A>G, p.His311Arg (NM_001346458.2, NM_001346459.2, NM_001368039.1 and 1 more transcripts); c.1019A>G, p.His340Arg (NM_001368041.1); c.1244A>G (NM_016122.2); short protein forms H311R, H340R, H415R.
Identifiers: ClinVar variation 1038100 (VCV001038100.7), dbSNP rs202152669, ClinGen allele CA6721696.